The following is an entry in ClinVar:

NM_001165963.4(SCN1A):c.3932C>T (p.Ala1311Val)

Genes: SCN1A (sodium voltage-gated channel alpha subunit 1; minus strand), LOC102724058 (uncharacterized LOC102724058; plus strand). Cytogenetic location: 2q24.3.
Variant type: single nucleotide variant.
Coding change: c.3932C>T on transcript NM_001165963.4 (MANE Select); coding-DNA position 3932, C replaced by T.
Protein change: p.Ala1311Val; replaces alanine 1311 with valine.
Molecular consequence: missense variant. On other transcripts: non-coding transcript variant (1).
Genome position (GRCh38, 1-based): chr2:166,009,789, G>A on the plus strand (C>T on the coding strand, the complement: SCN1A is on the minus strand). VCF-style: chr2-166009789-G-A. GRCh37 (hg19) VCF-style: chr2-166866299-G-A.
Other names: c.3848C>T, p.Ala1283Val (NM_001165964.3, NM_001353957.2, NM_001353958.2); c.3932C>T, p.Ala1311Val (NM_001202435.3, NM_001353948.2); c.3899C>T, p.Ala1300Val (NM_001353949.2, NM_001353950.2, NM_001353951.2 and 2 more transcripts); c.3896C>T, p.Ala1299Val (NM_001353954.2, NM_001353955.2); c.3845C>T, p.Ala1282Val (NM_001353960.2); c.1490C>T, p.Ala497Val (NM_001353961.2); short protein forms A1282V, A1283V, A1299V, A1300V, A1311V, A497V.
Identifiers: ClinVar variation 1203729 (VCV001203729.13), dbSNP rs2105570494, ClinGen allele CA349053215.

ClinVar aggregate classification (germline): Conflicting classifications of pathogenicity. Review status: criteria provided, conflicting classifications (1 of 4 stars). 2 submissions from 2 submitters: Likely pathogenic (1); Uncertain significance (1). Last evaluated 2024-06-03.

Conditions:
Early-infantile DEE. Also called: Ohtahara syndrome; Early infantile epileptic encephalopathy with suppression bursts; Early infantile epileptic encephalopathy. Identifiers: Orphanet 1934, MedGen C0393706, MONDO:0800491.

Submissions (2):

GeneDx
Classification: Likely pathogenic. Last evaluated: 2024-06-03. Review status: criteria provided, single submitter. Criteria: GeneDx Variant Classification Process June 2021. Collection method: clinical testing. Allele origin: germline. Affected: yes.
Comment: In silico analysis supports that this missense variant has a deleterious effect on protein structure/function; Not observed at significant frequency in large population cohorts (gnomAD); Has not been previously published as pathogenic or benign to our knowledge

Labcorp Genetics (formerly Invitae), Labcorp
Classification: Uncertain significance for Early-infantile DEE. Last evaluated: 2022-02-04. Review status: criteria provided, single submitter. Criteria: Invitae Variant Classification Sherloc (09022015). Collection method: clinical testing. Allele origin: germline.
Comment: In summary, the available evidence is currently insufficient to determine the role of this variant in disease. Therefore, it has been classified as a Variant of Uncertain Significance. Advanced modeling of protein sequence and biophysical properties (such as structural, functional, and spatial information, amino acid conservation, physicochemical variation, residue mobility, and thermodynamic stability) performed at Invitae indicates that this missense variant is expected to disrupt SCN1A protein function. This sequence change replaces alanine, which is neutral and non-polar, with valine, which is neutral and non-polar, at codon 1311 of the SCN1A protein (p.Ala1311Val). This variant is not present in population databases (gnomAD no frequency). This variant has not been reported in the literature in individuals affected with SCN1A-related conditions. ClinVar contains an entry for this variant (Variation ID: 1203729).